The following is an entry in ClinVar:

ClinVar aggregate classification (germline): Uncertain significance (1 of 4 stars; one submission).

Submission:

Labcorp Genetics (formerly Invitae), Labcorp
Classification: Uncertain significance. Last evaluated: 2020-12-22. Review status: criteria provided, single submitter. Criteria: Invitae Variant Classification Sherloc (09022015). Collection method: clinical testing. Allele origin: germline.
Comment: In summary, the available evidence is currently insufficient to determine the role of this variant in disease. Therefore, it has been classified as a Variant of Uncertain Significance. Algorithms developed to predict the effect of missense changes on protein structure and function output the following: SIFT: "Deleterious"; PolyPhen-2: "Benign"; Align-GVGD: "Class C0". The alanine amino acid residue is found in multiple mammalian species, suggesting that this missense change does not adversely affect protein function. These predictions have not been confirmed by published functional studies and their clinical significance is uncertain. This variant has not been reported in the literature in individuals with BACH2-related conditions. This variant is not present in population databases (ExAC no frequency). This sequence change replaces proline with alanine at codon 318 of the BACH2 protein (p.Pro318Ala). The proline residue is weakly conserved and there is a small physicochemical difference between proline and alanine.

NM_021813.4(BACH2):c.952C>G (p.Pro318Ala)

Gene: BACH2 (BACH transcriptional regulator 2; minus strand). Cytogenetic location: 6q15.
Variant type: single nucleotide variant.
Coding change: c.952C>G on transcript NM_021813.4 (MANE Select); coding-DNA position 952, C replaced by G.
Protein change: p.Pro318Ala; replaces proline 318 with alanine.
Molecular consequence: missense variant.
Genome position (GRCh38, 1-based): chr6:89,951,154, G>C on the plus strand (C>G on the coding strand, the complement: BACH2 is on the minus strand). VCF-style: chr6-89951154-G-C. GRCh37 (hg19) VCF-style: chr6-90660873-G-C.
Other names: c.952C>G, p.Pro318Ala (NM_001170794.2); short protein forms P318A.
Identifiers: ClinVar variation 1496060 (VCV001496060.8), dbSNP rs915580967, ClinGen allele CA365071868.